The following is an entry in ClinVar:

NM_201384.3(PLEC):c.4072G>T (p.Glu1358Ter)

Gene: PLEC (plectin; minus strand). Cytogenetic location: 8q24.3.
Variant type: single nucleotide variant.
Coding change: c.4072G>T on transcript NM_201384.3 (MANE Select); coding-DNA position 4072, G replaced by T.
Protein change: p.Glu1358Ter; replaces glutamic acid 1358 with a stop codon.
Molecular consequence: nonsense. On other transcripts: intron variant (1).
Genome position (GRCh38, 1-based): chr8:143,925,857, C>A on the plus strand (G>T on the coding strand, the complement: PLEC is on the minus strand). VCF-style: chr8-143925857-C-A. GRCh37 (hg19) VCF-style: chr8-145000025-C-A.
Other names: c.4153G>T, p.Glu1385Ter (NM_000445.5); c.4030G>T, p.Glu1344Ter (NM_201378.4); c.4006G>T, p.Glu1336Ter (NM_201379.3); c.4483G>T, p.Glu1495Ter (NM_201380.4); c.3976G>T, p.Glu1326Ter (NM_201381.3); c.4072G>T, p.Glu1358Ter (NM_201382.4); c.4084G>T, p.Glu1362Ter (NM_201383.3); c.4125+927G>T (NM_001410941.1); short protein forms E1344*, E1362*, E1336*, E1358*, E1385*, E1495*, E1326*.
Identifiers: ClinVar variation 4782373 (VCV004782373.1).

ClinVar aggregate classification (germline): Pathogenic (1 of 4 stars; one submission).

Conditions:
Epidermolysis bullosa simplex with nail dystrophy (EBS5D). Identifiers: MedGen C4225309, MONDO:0014661, OMIM 616487.
Epidermolysis bullosa simplex, Ogna type (EBS5A). Also called: Pidermolysis bullosa simplex 5A, Ogna type; EPIDERMOLYSIS BULLOSA SIMPLEX 5A, OGNA TYPE. Identifiers: Orphanet 79401, MedGen C0432317, MONDO:0007555, OMIM 131950.
Epidermolysis bullosa simplex 5B, with muscular dystrophy (EBS5B). Also called: Epidermolysis bullosa simplex with muscular dystrophy; EPIDERMOLYSIS BULLOSA SIMPLEX AND LIMB-GIRDLE MUSCULAR DYSTROPHY. Identifiers: Orphanet 257, MedGen C2931072, MONDO:0009181, OMIM 226670.
Autosomal recessive limb-girdle muscular dystrophy type 2Q (LGMDR17). Also called: MUSCULAR DYSTROPHY, LIMB-GIRDLE, AUTOSOMAL RECESSIVE 17. Identifiers: Orphanet 254361, MedGen C3150989, MONDO:0013390, OMIM 613723.
Epidermolysis bullosa simplex 5C, with pyloric atresia (EBS5C). Also called: PLEC-Related Epidermolysis Bullosa with Pyloric Atresia; Epidermolysis bullosa simplex with pyloric atresia; PLEC1-Related Epidermolysis Bullosa with Pyloric Atresia. Identifiers: Orphanet 158684, MedGen C2677349, MONDO:0012807, OMIM 612138.

Submission:

Labcorp Genetics (formerly Invitae), Labcorp
Classification: Pathogenic for Autosomal recessive limb-girdle muscular dystrophy type 2Q; Epidermolysis bullosa simplex, Ogna type; Epidermolysis bullosa simplex with nail dystrophy; Epidermolysis bullosa simplex 5C, with pyloric atresia; Epidermolysis bullosa simplex 5B, with muscular dystrophy. Last evaluated: 2025-05-21. Review status: criteria provided, single submitter. Criteria: Invitae Variant Classification Sherloc (09022015). Collection method: clinical testing. Allele origin: germline.
Comment: This sequence change creates a premature translational stop signal (p.Glu1385*) in the PLEC gene. It is expected to result in an absent or disrupted protein product. Loss-of-function variants in PLEC are known to be pathogenic (PMID: 20301336, 20447487, 21109228, 23289980, 28824526). This variant is not present in population databases (gnomAD no frequency). This variant has not been reported in the literature in individuals affected with PLEC-related conditions. For these reasons, this variant has been classified as Pathogenic.

Literature cited by the submitters: PubMed 20301336; PubMed 20447487; PubMed 21109228; PubMed 23289980; PubMed 28824526.